The following is an entry in ClinVar:

NM_013432.5(TONSL):c.2245A>G (p.Ser749Gly)

Genes: TONSL (tonsoku like, DNA repair protein; minus strand), TONSL-AS1 (TONSL antisense RNA 1; plus strand). Cytogenetic location: 8q24.3.
Variant type: single nucleotide variant.
Coding change: c.2245A>G on transcript NM_013432.5 (MANE Select); coding-DNA position 2245, A replaced by G.
Protein change: p.Ser749Gly; replaces serine 749 with glycine.
Molecular consequence: missense variant.
Genome position (GRCh38, 1-based): chr8:144,436,188, T>C on the plus strand (A>G on the coding strand, the complement: TONSL is on the minus strand). VCF-style: chr8-144436188-T-C. GRCh37 (hg19) VCF-style: chr8-145661571-T-C.
Other names: short protein forms S749G.
Identifiers: ClinVar variation 1973658 (VCV001973658.5), dbSNP rs775324481, ClinGen allele CA4942884.
Genomic context (GRCh38, chr8:144,436,188, plus strand): 5'-CCCGTTGTGCTGTGGCCGAGCACCGAGGCCTCTTCTGGGACGGCCGTGCGGGGCCTGCGC[T>C]GTCCTCGCCTTCTGAGCTGCTGCTGCTGCTGGCTGGCCCATGCCTGCTCCTCCGAGGCCT-3'
Protein context (NP_038460.4, residues 739-759): SSSSSSEGED[Ser749Gly]AGPARPSQKR

ClinVar aggregate classification (germline): Uncertain significance (1 of 4 stars; one submission).

Allele frequency attached by ClinVar (database versions not stated): gnomAD 0.00002; TOPMed 0.00002; ExAC 0.00005.
gnomAD v4.1: 9 of 1,571,828 alleles (0.00057%); highest among the groups gnomAD compares: African/African-American, 0.0054%; no homozygotes.

Submission:

Labcorp Genetics (formerly Invitae), Labcorp
Classification: Uncertain significance. Last evaluated: 2022-07-29. Review status: criteria provided, single submitter. Criteria: Invitae Variant Classification Sherloc (09022015). Collection method: clinical testing. Allele origin: germline.
Comment: This sequence change replaces serine, which is neutral and polar, with glycine, which is neutral and non-polar, at codon 749 of the TONSL protein (p.Ser749Gly). This variant is present in population databases (rs775324481, gnomAD 0.01%). This variant has not been reported in the literature in individuals affected with TONSL-related conditions. Algorithms developed to predict the effect of missense changes on protein structure and function output the following: SIFT: "Tolerated"; PolyPhen-2: "Benign"; Align-GVGD: "Class C0". The glycine amino acid residue is found in multiple mammalian species, which suggests that this missense change does not adversely affect protein function. In summary, the available evidence is currently insufficient to determine the role of this variant in disease. Therefore, it has been classified as a Variant of Uncertain Significance.